The following is an entry in ClinVar:

NM_020745.4(AARS2):c.2884C>T (p.Gln962Ter)

Gene: AARS2 (alanyl-tRNA synthetase 2, mitochondrial; minus strand). Cytogenetic location: 6p21.1.
Variant type: single nucleotide variant.
Coding change: c.2884C>T on transcript NM_020745.4 (MANE Select); coding-DNA position 2884, C replaced by T.
Protein change: p.Gln962Ter; replaces glutamine 962 with a stop codon.
Molecular consequence: nonsense.
Genome position (GRCh38, 1-based): chr6:44,300,621, G>A on the plus strand (C>T on the coding strand, the complement: AARS2 is on the minus strand). VCF-style: chr6-44300621-G-A. GRCh37 (hg19) VCF-style: chr6-44268358-G-A.
Other names: short protein forms Q962*.
Identifiers: ClinVar variation 930345 (VCV000930345.5), dbSNP rs1785274253, ClinGen allele CA364335534.
Genomic context (GRCh38, chr6:44,300,621, plus strand): 5'-GGGCATAGGTTTGGGCTATACTGAGGGCAGCTTCCAGGTCAGTAGTGCTTCCGGTGCCTT[G>A]GGCCACCACTCGTGAGCCCCACGCCTTGCCCCCCATGTGGCTGCACACTGCCAGTGCCCA-3'

ClinVar aggregate classification (germline): Conflicting classifications of pathogenicity. Review status: criteria provided, conflicting classifications (1 of 4 stars). 2 submissions from 2 submitters: Pathogenic (1); Uncertain significance (1). Last evaluated 2025-07-31.

Conditions:
Combined oxidative phosphorylation defect type 8. Also called: CARDIOMYOPATHY, HYPERTROPHIC MITOCHONDRIAL, FATAL INFANTILE. Identifiers: Orphanet 319504, MedGen C4518839, MONDO:0013570, OMIM 614096.

Allele frequency attached by ClinVar (database versions not stated): gnomAD exomes below 0.00001.
gnomAD v4.1: 1 of 1,613,996 alleles (0.000062%); highest among the groups gnomAD compares: Non-Finnish European, 0.000085%; no homozygotes.

Submissions (2):

Dasa
Classification: Uncertain significance. Last evaluated: 2025-07-31. Review status: criteria provided, single submitter. Criteria: DASA Assertion Criteria. Collection method: clinical testing. Allele origin: germline.
Comment: NM_020745.4(AARS2):c.2884C>T (p.Gln962*) is a nonsense variant in AARS2 predicted to introduce a premature termination codon and is predicted to result in an absent or altered protein product. This variant is rare in population databases. The currently available literature and clinical evidence are not sufficient to establish a definitive association between this variant and the reported condition. Therefore, this variant is classified as a variant of uncertain significance.

Centre for Mendelian Genomics, University Medical Centre Ljubljana
Classification: Pathogenic for Combined oxidative phosphorylation defect type 8. Last evaluated: 2019-01-24. Review status: criteria provided, single submitter. Criteria: ACMG Guidelines, 2015. Collection method: clinical testing. Allele origin: unknown. Affected: yes.
Comment: This variant was classified as: Pathogenic. The following ACMG criteria were applied in classifying this variant: PVS1,PM2,PP3.